The following is an entry in ClinVar:

NM_002834.5(PTPN11):c.1546A>G (p.Met516Val)

Gene: PTPN11 (protein tyrosine phosphatase non-receptor type 11; plus strand). Cytogenetic location: 12q24.13.
Variant type: single nucleotide variant.
Coding change: c.1546A>G on transcript NM_002834.5 (MANE Select); coding-DNA position 1546, A replaced by G.
Protein change: p.Met516Val; replaces methionine 516 with valine.
Molecular consequence: missense variant.
Genome position (GRCh38, 1-based): chr12:112,489,122, A>G. VCF-style: chr12-112489122-A-G. GRCh37 (hg19) VCF-style: chr12-112926926-A-G.
Other names: c.1558A>G, p.Met520Val (NM_001330437.2); c.1543A>G, p.Met515Val (NM_001374625.1); short protein forms M515V, M516V, M520V.
Identifiers: ClinVar variation 2568097 (VCV002568097.6), dbSNP rs773825880, ClinGen allele CA6798807.

ClinVar aggregate classification (germline): Uncertain significance. Review status: criteria provided, multiple submitters, no conflicts (2 of 4 stars). 2 submissions from 2 submitters: Uncertain significance (2). Last evaluated 2026-09-24.

Conditions:
Cardiovascular phenotype. Identifiers: MedGen CN230736.

Allele frequency attached by ClinVar (database versions not stated): ExAC 0.00001; gnomAD exomes 0.00001.
gnomAD v4.1: 3 of 1,614,180 alleles (0.00019%); highest among the groups gnomAD compares: Non-Finnish European, 0.00025%; no homozygotes.

Submissions (2):

GeneDx
Classification: Uncertain significance. Last evaluated: 2026-09-24. Review status: criteria provided, single submitter. Criteria: GeneDx Variant Classification Process June 2021. Collection method: clinical testing. Allele origin: germline.
Comment: Observed as a de novo variant in a fetus with cervical cystic hygroma and cardiac anomalies in the literature (PMID: 39891418); Missense variants in this gene are often considered pathogenic (HGMD); In silico analysis suggests that this missense variant does not alter protein structure/function; Also known as c.1558A>G p.Met520Val; This variant is associated with the following publications: (PMID: 29493581, 40127276, 39891418)

Ambry Genetics
Classification: Uncertain significance for Cardiovascular phenotype. Last evaluated: 2025-03-22. Review status: criteria provided, single submitter. Criteria: Ambry Variant Classification Scheme 2023. Collection method: clinical testing. Allele origin: germline.
Comment: The p.M516V variant (also known as c.1546A>G), located in coding exon 13 of the PTPN11 gene, results from an A to G substitution at nucleotide position 1546. The methionine at codon 516 is replaced by valine, an amino acid with highly similar properties. This amino acid position is conserved. In addition, this alteration is predicted to be deleterious by in silico analysis. Since supporting evidence is limited at this time, the clinical significance of this alteration remains unclear.